The following is an entry in ClinVar:

ClinVar aggregate classification (germline): Likely benign (1 of 4 stars; one submission).

Conditions:
Leigh syndrome (NULS). Also called: Leigh's necrotizing encephalopathy; Leigh's disease; Leigh Syndrome (mtDNA deletion); Leigh Disease; Subacute necrotizing encephalopathy; Necrotizing encephalopathy infantile subacute of Leigh. Identifiers: Orphanet 506, MedGen C2931891, MONDO:0009723, OMIM 256000.

Submission:

Wong Mito Lab, Molecular and Human Genetics, Baylor College of Medicine
Classification: Likely benign for Leigh syndrome. Last evaluated: 2019-10-17. Review status: criteria provided, single submitter. Criteria: Modified ACMG Guidelines (Unpublished). Collection method: clinical testing. Allele origin: germline.
Comment: The NC_012920.1:m.10639A>G (YP_003024034.1:p.Asn57Ser) variant in MTND4L gene is interpretated to be a Likely Benign variant based on the modified ACMG guidelines (unpublished). This variant meets the following evidence codes: BP4, BP5

NC_012920.1(MT-ND4L):m.10639A>G

Gene: MT-ND4L (mitochondrially encoded NADH dehydrogenase 4L; plus strand).
Variant type: single nucleotide variant.
Genome position: chrM-10639-A-G.
Identifiers: ClinVar variation 693306 (VCV000693306.1), dbSNP rs1603222927, ClinGen allele CA414806188.